The following is an entry in ClinVar:

ClinVar aggregate classification (germline): Benign. Review status: criteria provided, multiple submitters, no conflicts (2 of 4 stars). 3 submissions from 3 submitters: Benign (2). 1 of the submissions does not count toward it. Last evaluated 2026-02-02.

Conditions:
TMC8-related disorder. Also called: TMC8-related condition.
Epidermodysplasia verruciformis. Identifiers: Orphanet 302, MedGen C0014522, MONDO:0009176.

Allele frequency attached by ClinVar (database versions not stated): gnomAD exomes 0.00045 and 0.00119; ExAC 0.00143; ESP Exome Variant Server 0.00454; gnomAD 0.00481 and 0.00524; TOPMed 0.00502; 1000 Genomes Project 0.00559; 1000 Genomes Project 30x 0.00640.
gnomAD v4.1: 1,409 of 1,613,790 alleles (0.087%); highest among the groups gnomAD compares: African/African-American, 1.6%; 14 homozygotes.

Submissions (3):

Labcorp Genetics (formerly Invitae), Labcorp
Classification: Benign for Epidermodysplasia verruciformis. Last evaluated: 2026-02-02. Review status: criteria provided, single submitter. Criteria: Invitae Variant Classification Sherloc (09022015). Collection method: clinical testing. Allele origin: germline.

Breakthrough Genomics
Classification: Benign. Review status: criteria provided, single submitter. Criteria: ACMG Guidelines, 2015. Collection method: not provided. Allele origin: germline. Inheritance: Autosomal recessive inheritance. Affected: yes.

PreventionGenetics, part of Exact Sciences
Classification: Benign for TMC8-related condition. Last evaluated: 2019-04-09. Review status: no assertion criteria provided. Collection method: clinical testing. Allele origin: germline. Not counted in ClinVar's aggregate classification.
Comment: This variant is classified as benign based on ACMG/AMP sequence variant interpretation guidelines (Richards et al. 2015 PMID: 25741868, with internal and published modifications).

NM_152468.5(TMC8):c.1350-8C>T

Gene: TMC8 (transmembrane channel like 8; plus strand). Cytogenetic location: 17q25.3.
Variant type: single nucleotide variant.
Coding change: c.1350-8C>T on transcript NM_152468.5 (MANE Select); 8 bases into the intron before coding-DNA position 1350, C replaced by T.
Molecular consequence: intron variant.
Genome position (GRCh38, 1-based): chr17:78,137,997, C>T. VCF-style: chr17-78137997-C-T. GRCh37 (hg19) VCF-style: chr17-76134078-C-T.
Identifiers: ClinVar variation 526261 (VCV000526261.15), dbSNP rs78508365, ClinGen allele CA8796848.